The following is an entry in ClinVar:

ClinVar aggregate classification (germline): Uncertain significance. Review status: criteria provided, single submitter (1 of 4 stars). 2 submissions from 2 submitters: Uncertain significance (1). 1 of the submissions does not count toward it. Last evaluated 2024-05-20.

Conditions:
PLXNA3-related disorder. Also called: PLXNA3-related condition.

gnomAD v4.1: 3 of 1,209,489 alleles (0.00025%); highest among the groups gnomAD compares: Non-Finnish European, 0.00034%; no homozygotes.

Submissions (2):

Ambry Genetics
Classification: Uncertain significance. Last evaluated: 2024-05-20. Review status: criteria provided, single submitter. Criteria: Ambry Variant Classification Scheme 2023. Collection method: clinical testing. Allele origin: germline.

PreventionGenetics, part of Exact Sciences
Classification: Uncertain significance for PLXNA3-related condition. Last evaluated: 2024-02-22. Review status: no assertion criteria provided. Collection method: clinical testing. Allele origin: germline. Not counted in ClinVar's aggregate classification.
Comment: The PLXNA3 c.2784G>C variant is predicted to result in the amino acid substitution p.Gln928His. To our knowledge, this variant has not been reported in the literature. This variant is reported in 0.0012% of alleles in individuals of European (non-Finnish) descent in gnomAD. At this time, the clinical significance of this variant is uncertain due to the absence of conclusive functional and genetic evidence.

NM_017514.5(PLXNA3):c.2784G>C (p.Gln928His)

Gene: PLXNA3 (plexin A3; plus strand). Cytogenetic location: Xq28.
Variant type: single nucleotide variant.
Coding change: c.2784G>C on transcript NM_017514.5 (MANE Select); coding-DNA position 2784, G replaced by C.
Protein change: p.Gln928His; replaces glutamine 928 with histidine.
Molecular consequence: missense variant.
Genome position (GRCh38, 1-based): chrX:154,466,255, G>C. VCF-style: chrX-154466255-G-C. GRCh37 (hg19) VCF-style: chrX-153694598-G-C.
Other names: short protein forms Q928H.
Identifiers: ClinVar variation 3307925 (VCV003307925.2).